The following is an entry in ClinVar:

ClinVar aggregate classification (germline): Conflicting classifications of pathogenicity. Review status: criteria provided, conflicting classifications (1 of 4 stars). 2 submissions from 2 submitters: Uncertain significance (1); Likely benign (1). Last evaluated 2023-10-23.

Conditions:
Arrhythmogenic cardiomyopathy with wooly hair and keratoderma. Also called: PALMOPLANTAR KERATODERMA WITH LEFT VENTRICULAR CARDIOMYOPATHY AND WOOLLY HAIR; Carvajal syndrome; Dilated cardiomyopathy with woolly hair and keratoderma; Arrhythmogenic cardiomyopathy with woolly hair and keratoderma. Identifiers: Orphanet 65282, MedGen C1854063, MONDO:0011581, OMIM 605676.
Arrhythmogenic right ventricular dysplasia 8 (ARVD8). Also called: Arrhythmogenic Right Ventricular Dysplasia/Cardiomyopathy 8; ARRHYTHMOGENIC RIGHT VENTRICULAR DYSPLASIA, FAMILIAL, 8; ARRHYTHMOGENIC RIGHT VENTRICULAR CARDIOMYOPATHY 8. Identifiers: MedGen C1843896, MONDO:0011831, OMIM 607450.

Allele frequency attached by ClinVar (database versions not stated): gnomAD exomes below 0.00001; ExAC 0.00002.
gnomAD v4.1: 5 of 1,609,288 alleles (0.00031%); highest among the groups gnomAD compares: Non-Finnish European, 0.00042%; no homozygotes.

Submissions (2):

All of Us Research Program, National Institutes of Health
Classification: Uncertain significance for Arrhythmogenic cardiomyopathy with wooly hair and keratoderma. Last evaluated: 2023-10-23. Review status: criteria provided, single submitter. Criteria: ACMG Guidelines, 2015. Collection method: clinical testing. Allele origin: germline. Inheritance: Autosomal dominant inheritance. Observed: 1 variant allele, 1 heterozygote.
Comment: This missense variant replaces arginine with cysteine at codon 2838 of the DSP protein. Computational prediction suggests that this variant may not impact protein structure and function (internally defined REVEL score threshold <= 0.5, PMID: 27666373). To our knowledge, functional studies have not been reported for this variant. This variant has not been reported in individuals affected with DSP-related disorders in the literature. This variant has been identified in 3/245372 chromosomes in the general population by the Genome Aggregation Database (gnomAD). The available evidence is insufficient to determine the role of this variant in disease conclusively. Therefore, this variant is classified as a Variant of Uncertain Significance.

This study involves interpretation of variants in research participants for the purpose of population health screening. Participant phenotype was not available at the time of variant classification. Additional details can be found in publication PMID: 35346344, PMCID: PMC8962531

Labcorp Genetics (formerly Invitae), Labcorp
Classification: Likely benign for Arrhythmogenic cardiomyopathy with wooly hair and keratoderma; Arrhythmogenic right ventricular dysplasia 8. Last evaluated: 2023-04-28. Review status: criteria provided, single submitter. Criteria: Invitae Variant Classification Sherloc (09022015). Collection method: clinical testing. Allele origin: germline.

NM_004415.4(DSP):c.8512C>T (p.Arg2838Cys)

Gene: DSP (desmoplakin; plus strand). Cytogenetic location: 6p24.3.
Variant type: single nucleotide variant.
Coding change: c.8512C>T on transcript NM_004415.4 (MANE Select); coding-DNA position 8512, C replaced by T.
Protein change: p.Arg2838Cys; replaces arginine 2838 with cysteine.
Molecular consequence: missense variant.
Genome position (GRCh38, 1-based): chr6:7,585,774, C>T. VCF-style: chr6-7585774-C-T. GRCh37 (hg19) VCF-style: chr6-7586007-C-T.
Other names: c.6715C>T, p.Arg2239Cys (NM_001008844.3); c.7183C>T, p.Arg2395Cys (NM_001319034.2); short protein forms R2239C, R2838C, R2395C.
Identifiers: ClinVar variation 2166361 (VCV002166361.5), dbSNP rs779102012, ClinGen allele CA052658.